The following is an entry in ClinVar:

NM_052947.4(ALPK2):c.5834T>C (p.Val1945Ala)

Gene: ALPK2 (alpha kinase 2; minus strand). Cytogenetic location: 18q21.31.
Variant type: single nucleotide variant.
Coding change: c.5834T>C on transcript NM_052947.4 (MANE Select); coding-DNA position 5834, T replaced by C.
Protein change: p.Val1945Ala; replaces valine 1945 with alanine.
Molecular consequence: missense variant.
Genome position (GRCh38, 1-based): chr18:58,517,014, A>G on the plus strand (T>C on the coding strand, the complement: ALPK2 is on the minus strand). VCF-style: chr18-58517014-A-G. GRCh37 (hg19) VCF-style: chr18-56184246-A-G.
Other names: short protein forms V1945A.
Identifiers: ClinVar variation 1749987 (VCV001749987.2), dbSNP rs1189331789, ClinGen allele CA402548605.

ClinVar aggregate classification (germline): Uncertain significance (1 of 4 stars; one submission).

Allele frequency attached by ClinVar (database versions not stated): gnomAD exomes below 0.00001; TOPMed 0.00001.
gnomAD v4.1: 1 of 1,614,214 alleles (0.000062%); highest among the groups gnomAD compares: Non-Finnish European, 0.000085%; no homozygotes.

Submission:

Ambry Genetics
Classification: Uncertain significance. Last evaluated: 2024-02-16. Review status: criteria provided, single submitter. Criteria: Ambry Variant Classification Scheme 2023. Collection method: clinical testing. Allele origin: germline.
Comment: The p.V1945A variant (also known as c.5834T>C), located in coding exon 8 of the ALPK2 gene, results from a T to C substitution at nucleotide position 5834. The valine at codon 1945 is replaced by alanine, an amino acid with similar properties. This amino acid position is conserved. In addition, this alteration is predicted to be tolerated by in silico analysis. Since supporting evidence is limited at this time, the clinical significance of this alteration remains unclear.